The following is an entry in ClinVar:

NM_001375524.1(TRRAP):c.5192G>A (p.Arg1731His)

Genes: TRRAP (transformation/transcription domain associated protein; plus strand), LOC126860121 (MED14-independent group 3 enhancer GRCh37_chr7:98547245-98548444; plus strand). Cytogenetic location: 7q22.1.
Variant type: single nucleotide variant.
Coding change: c.5192G>A on transcript NM_001375524.1 (MANE Select); coding-DNA position 5192, G replaced by A.
Protein change: p.Arg1731His; replaces arginine 1731 with histidine.
Molecular consequence: missense variant.
Genome position (GRCh38, 1-based): chr7:98,950,120, G>A. VCF-style: chr7-98950120-G-A. GRCh37 (hg19) VCF-style: chr7-98547743-G-A.
Other names: c.5171G>A, p.Arg1724His (NM_001244580.2); c.5117G>A, p.Arg1706His (NM_003496.4); short protein forms R1706H, R1724H, R1731H.
Identifiers: ClinVar variation 2067405 (VCV002067405.4), dbSNP rs782203759, ClinGen allele CA4360504.

ClinVar aggregate classification (germline): Uncertain significance (1 of 4 stars; one submission).

Allele frequency attached by ClinVar (database versions not stated): gnomAD 0.00003; ExAC 0.00001; TOPMed 0.00001.
gnomAD v4.1: 16 of 1,614,098 alleles (0.00099%); highest among the groups gnomAD compares: East Asian, 0.0045%; no homozygotes.

Submission:

Labcorp Genetics (formerly Invitae), Labcorp
Classification: Uncertain significance. Last evaluated: 2022-10-17. Review status: criteria provided, single submitter. Criteria: Invitae Variant Classification Sherloc (09022015). Collection method: clinical testing. Allele origin: germline.
Comment: This variant is present in population databases (rs782203759, gnomAD 0.006%). This sequence change replaces arginine, which is basic and polar, with histidine, which is basic and polar, at codon 1706 of the TRRAP protein (p.Arg1706His). This variant has not been reported in the literature in individuals affected with TRRAP-related conditions. In summary, the available evidence is currently insufficient to determine the role of this variant in disease. Therefore, it has been classified as a Variant of Uncertain Significance. Advanced modeling of protein sequence and biophysical properties (such as structural, functional, and spatial information, amino acid conservation, physicochemical variation, residue mobility, and thermodynamic stability) performed at Invitae indicates that this missense variant is not expected to disrupt TRRAP protein function.